The following is an entry in ClinVar:

ClinVar aggregate classification (germline): Uncertain significance (1 of 4 stars; one submission).

Allele frequency attached by ClinVar (database versions not stated): gnomAD exomes 0.00001 and 0.00002; gnomAD 0.00002; TOPMed 0.00002.
gnomAD v4.1: 38 of 1,613,844 alleles (0.0024%); highest among the groups gnomAD compares: Non-Finnish European, 0.0028%; no homozygotes.

Submission:

Labcorp Genetics (formerly Invitae), Labcorp
Classification: Uncertain significance. Last evaluated: 2019-10-04. Review status: criteria provided, single submitter. Criteria: Invitae Variant Classification Sherloc (09022015). Collection method: clinical testing. Allele origin: germline.
Comment: In summary, the available evidence is currently insufficient to determine the role of this variant in disease. Therefore, it has been classified as a Variant of Uncertain Significance. Algorithms developed to predict the effect of missense changes on protein structure and function (SIFT, PolyPhen-2, Align-GVGD) all suggest that this variant is likely to be tolerated, but these predictions have not been confirmed by published functional studies and their clinical significance is uncertain. This variant has not been reported in the literature in individuals with CNGA1-related conditions. This variant is not present in population databases (ExAC no frequency). This sequence change replaces glutamic acid with alanine at codon 80 of the CNGA1 protein (p.Glu80Ala). The glutamic acid residue is weakly conserved and there is a moderate physicochemical difference between glutamic acid and alanine.

NM_001379270.1(CNGA1):c.227A>C (p.Glu76Ala)

Genes: CNGA1 (cyclic nucleotide gated channel subunit alpha 1; minus strand), LOC101927157 (uncharacterized LOC101927157; plus strand). Cytogenetic location: 4p12.
Variant type: single nucleotide variant.
Coding change: c.227A>C on transcript NM_001379270.1 (MANE Select); coding-DNA position 227, A replaced by C.
Protein change: p.Glu76Ala; replaces glutamic acid 76 with alanine.
Molecular consequence: missense variant.
Genome position (GRCh38, 1-based): chr4:47,949,893, T>G on the plus strand (A>C on the coding strand, the complement: CNGA1 is on the minus strand). VCF-style: chr4-47949893-T-G. GRCh37 (hg19) VCF-style: chr4-47951910-T-G.
Other names: c.227A>C, p.Glu76Ala (NM_000087.5, NM_001142564.2); short protein forms E76A.
Identifiers: ClinVar variation 965876 (VCV000965876.7), dbSNP rs898266295, ClinGen allele CA96698369.